The following is an entry in ClinVar:

NM_000053.4(ATP7B):c.893A>C (p.Gln298Pro)

Gene: ATP7B (ATPase copper transporting beta; minus strand). Cytogenetic location: 13q14.3.
Variant type: single nucleotide variant.
Coding change: c.893A>C on transcript NM_000053.4 (MANE Select); coding-DNA position 893, A replaced by C.
Protein change: p.Gln298Pro; replaces glutamine 298 with proline.
Molecular consequence: missense variant. On other transcripts: intron variant (2).
Genome position (GRCh38, 1-based): chr13:51,974,327, T>G on the plus strand (A>C on the coding strand, the complement: ATP7B is on the minus strand). VCF-style: chr13-51974327-T-G. GRCh37 (hg19) VCF-style: chr13-52548463-T-G.
Other names: c.893A>C, p.Gln298Pro (NM_001406542.1, NM_001406545.1, NM_001406546.1 and 29 more transcripts); c.797A>C, p.Gln266Pro (NM_001406543.1, NM_001406544.1, NM_001406517.1 and 3 more transcripts); c.802+91A>C (NM_001243182.2); c.706+91A>C (NM_001406539.1); short protein forms Q266P, Q298P.
Identifiers: ClinVar variation 3071546 (VCV003071546.1), dbSNP rs1353300491, ClinGen allele CA388040588.
Genomic context (GRCh38, chr13:51,974,327, plus strand): 5'-AGTGCCTCGATAGCCCTCTGCAGAGCCACTGGGCTGGTACAAGAAGGGTCATACTTTACT[T>G]GGGCAGTTTTGTTCTCCAAGGACACTTGAATACTTTGAACCCCTAGGAGCTGGCCAATAT-3'
Protein context (NP_000044.2, residues 288-308): IQVSLENKTA[Gln298Pro]VKYDPSCTSP

ClinVar aggregate classification (germline): Uncertain significance (1 of 4 stars; one submission).

Conditions:
Wilson disease (WND). Also called: Wilson's disease. Identifiers: Orphanet 905, MedGen C0019202, MONDO:0010200, OMIM 277900. Disease mechanism: loss of function.

gnomAD v4.1: 20 of 1,614,116 alleles (0.0012%); highest among the groups gnomAD compares: Non-Finnish European, 0.0017%; no homozygotes.

Submission:

All of Us Research Program, National Institutes of Health
Classification: Uncertain significance for Wilson disease. Last evaluated: 2023-06-08. Review status: criteria provided, single submitter. Criteria: ACMG Guidelines, 2015. Collection method: clinical testing. Allele origin: germline. Inheritance: Autosomal recessive inheritance. Observed: 1 variant allele, 1 heterozygote.
Comment: This missense variant replaces glutamine with proline at codon 298 of the ATP7B protein. Computational prediction suggests that this variant may not impact protein structure and function (internally defined REVEL score threshold <= 0.5, PMID: 27666373). To our knowledge, functional studies have not been reported for this variant. This variant has not been reported in individuals affected with ATP7B-related disorders in the literature. This variant has been identified in 1/248762 chromosomes in the general population by the Genome Aggregation Database (gnomAD). The available evidence is insufficient to determine the role of this variant in disease conclusively. Therefore, this variant is classified as a Variant of Uncertain Significance.

This study involves interpretation of variants in research participants for the purpose of population health screening. Participant phenotype was not available at the time of variant classification. Additional details can be found in publication PMID: 35346344, PMCID: PMC8962531